The following is an entry in ClinVar:

NM_020937.4(FANCM):c.5598G>T (p.Arg1866Ser)

Gene: FANCM (FA complementation group M; plus strand). Cytogenetic location: 14q21.2.
Variant type: single nucleotide variant.
Coding change: c.5598G>T on transcript NM_020937.4 (MANE Select); coding-DNA position 5598, G replaced by T.
Protein change: p.Arg1866Ser; replaces arginine 1866 with serine.
Molecular consequence: missense variant.
Genome position (GRCh38, 1-based): chr14:45,196,429, G>T. VCF-style: chr14-45196429-G-T. GRCh37 (hg19) VCF-style: chr14-45665632-G-T.
Other names: c.5520G>T, p.Arg1840Ser (NM_001308133.2); short protein forms R1840S, R1866S.
Identifiers: ClinVar variation 2074352 (VCV002074352.5), dbSNP rs771248011, ClinGen allele CA7170027.
Genomic context (GRCh38, chr14:45,196,429, plus strand): 5'-AGTTTGTCCTCTTAATGGCTGTGATTACATCGTGAGTAATCGCATGGTGGTGGAAAGGAG[G>T]TCTCAATCTGAGATGTTAAATAGTGTCAATAAGAACAAGTTCATTGAGCAGATCCAGCAC-3'
Protein context (NP_065988.1, residues 1856-1876): IVSNRMVVER[Arg1866Ser]SQSEMLNSVN

ClinVar aggregate classification (germline): Uncertain significance. Review status: criteria provided, multiple submitters, no conflicts (2 of 4 stars). 2 submissions from 2 submitters: Uncertain significance (2). Last evaluated 2024-12-01.

Conditions:
Fanconi anemia (FA). Also called: Fanconi's anemia. Identifiers: Orphanet 84, MedGen C0015625, MeSH D005199, MONDO:0019391.
Inborn genetic diseases. Identifiers: MedGen C0950123, MeSH D030342.

gnomAD v4.1: 4 of 1,614,150 alleles (0.00025%); highest among the groups gnomAD compares: Admixed American, 0.005%; no homozygotes.

Submissions (2):

Ambry Genetics
Classification: Uncertain significance for Inborn genetic diseases. Last evaluated: 2024-12-01. Review status: criteria provided, single submitter. Criteria: Ambry Variant Classification Scheme 2023. Collection method: clinical testing. Allele origin: germline.
Comment: The p.R1866S variant (also known as c.5598G>T), located in coding exon 21 of the FANCM gene, results from a G to T substitution at nucleotide position 5598. The arginine at codon 1866 is replaced by serine, an amino acid with dissimilar properties. This amino acid position is conserved. In addition, this alteration is predicted to be tolerated by in silico analysis. Based on the available evidence, the clinical significance of this variant remains unclear.

Labcorp Genetics (formerly Invitae), Labcorp
Classification: Uncertain significance for Fanconi anemia. Last evaluated: 2022-05-05. Review status: criteria provided, single submitter. Criteria: Invitae Variant Classification Sherloc (09022015). Collection method: clinical testing. Allele origin: germline.
Comment: This variant has not been reported in the literature in individuals affected with FANCM-related conditions. This variant is present in population databases (rs771248011, gnomAD 0.009%). This sequence change replaces arginine, which is basic and polar, with serine, which is neutral and polar, at codon 1866 of the FANCM protein (p.Arg1866Ser). In summary, the available evidence is currently insufficient to determine the role of this variant in disease. Therefore, it has been classified as a Variant of Uncertain Significance. Algorithms developed to predict the effect of missense changes on protein structure and function are either unavailable or do not agree on the potential impact of this missense change (SIFT: "Deleterious"; PolyPhen-2: "Possibly Damaging"; Align-GVGD: "Class C0").